The following is an entry in ClinVar:

NM_206933.4(USH2A):c.14140G>T (p.Ala4714Ser)

Gene: USH2A (usherin; minus strand). Cytogenetic location: 1q41.
Variant type: single nucleotide variant.
Coding change: c.14140G>T on transcript NM_206933.4 (MANE Select); coding-DNA position 14140, G replaced by T.
Protein change: p.Ala4714Ser; replaces alanine 4714 with serine.
Molecular consequence: missense variant.
Genome position (GRCh38, 1-based): chr1:215,650,795, C>A on the plus strand (G>T on the coding strand, the complement: USH2A is on the minus strand). VCF-style: chr1-215650795-C-A. GRCh37 (hg19) VCF-style: chr1-215824137-C-A.
Other names: c.14140G>T (NM_206933.3); short protein forms A4714S.
Identifiers: ClinVar variation 963753 (VCV000963753.6), dbSNP rs765164422, ClinGen allele CA1393109.

ClinVar aggregate classification (germline): Uncertain significance. Review status: criteria provided, multiple submitters, no conflicts (2 of 4 stars). 4 submissions from 4 submitters: Uncertain significance (4). Last evaluated 2025-06-11.

Conditions:
Usher syndrome type 2A. Also called: RETINAL DISEASE IN USHER SYNDROME TYPE IIA, MODIFIER OF; USHER SYNDROME, TYPE IIA. Identifiers: Orphanet 231178, Orphanet 886, MedGen C1848634, MONDO:0010169, OMIM 276901.
Retinitis pigmentosa 39 (RP39). Identifiers: Orphanet 791, MedGen C3151138, MONDO:0013436, OMIM 613809.

Allele frequency attached by ClinVar (database versions not stated): ExAC 0.00002; gnomAD exomes 0.00001.
gnomAD v4.1: 11 of 1,612,894 alleles (0.00068%); highest among the groups gnomAD compares: Non-Finnish European, 0.00093%; no homozygotes.

Submissions (4):

Revvity Omics, Revvity
Classification: Uncertain significance. Last evaluated: 2025-06-11. Review status: criteria provided, single submitter. Criteria: ACMG Guidelines, 2015. Collection method: clinical testing. Allele origin: germline.

Blueprint Genetics
Classification: Uncertain significance. Last evaluated: 2024-05-08. Review status: criteria provided, single submitter. Criteria: ACMG Guidelines, 2015. Collection method: clinical testing. Allele origin: germline.

Fulgent Genetics
Classification: Uncertain significance for Usher syndrome type 2A; Retinitis pigmentosa 39. Last evaluated: 2024-02-23. Review status: criteria provided, single submitter. Criteria: ACMG Guidelines, 2015. Collection method: clinical testing. Allele origin: germline.

Labcorp Genetics (formerly Invitae), Labcorp
Classification: Uncertain significance. Last evaluated: 2021-09-01. Review status: criteria provided, single submitter. Criteria: Invitae Variant Classification Sherloc (09022015). Collection method: clinical testing. Allele origin: germline.
Comment: This sequence change replaces alanine with serine at codon 4714 of the USH2A protein (p.Ala4714Ser). The alanine residue is moderately conserved and there is a moderate physicochemical difference between alanine and serine. This variant is present in population databases (rs765164422, ExAC 0.003%). This variant has not been reported in the literature in individuals affected with USH2A-related conditions. Algorithms developed to predict the effect of missense changes on protein structure and function output the following: SIFT: "Tolerated"; PolyPhen-2: "Benign"; Align-GVGD: "Class C0". The serine amino acid residue is found in multiple mammalian species, which suggests that this missense change does not adversely affect protein function. Algorithms developed to predict the effect of sequence changes on RNA splicing suggest that this variant may create or strengthen a splice site. In summary, the available evidence is currently insufficient to determine the role of this variant in disease. Therefore, it has been classified as a Variant of Uncertain Significance.